The following is an entry in ClinVar:

NM_001382.4(DPAGT1):c.762_765del (p.Cys255fs)

Gene: DPAGT1 (dolichyl-phosphate N-acetylglucosaminephosphotransferase 1; minus strand). Cytogenetic location: 11q23.3.
Variant type: Deletion.
Coding change: c.762_765del on transcript NM_001382.4 (MANE Select); coding-DNA positions 762 to 765, 4 bases deleted (CTGT; older notation c.762_765delCTGT).
Protein change: p.Cys255fs; shifts the reading frame from cysteine 255.
Molecular consequence: frameshift variant.
Genome position (GRCh38, 1-based): chr11:119,098,007-119,098,010, ACAG deleted on the plus strand (CTGT on the coding strand, the reverse complement: DPAGT1 is on the minus strand); deleting any 4 consecutive bases within chr11:119,098,007-119,098,011 gives the same sequence; the c. name uses the placement nearest the transcript's 3' end. VCF-style (leftmost placement, unchanged base first): chr11-119098006-AACAG-A. GRCh37 (hg19) VCF-style: chr11-118968716-AACAG-A.
Other names: short protein forms C255fs.
Identifiers: ClinVar variation 1451203 (VCV001451203.6), dbSNP rs2134901573, ClinGen allele CA2573147003.
Genomic context (GRCh38, chr11:119,098,006, plus strand): 5'-GCATGGTCTTGCTGAAGTGTCCCAAGATGCCCACCACGGCAAAGGTCATGCCAGCAAAGT[AACAG>A]AAGGTATCTCCCACAAACACCCGTGATGGGTACCTGTGTGGGGGAAGAGGATCCGAGCCA-3'

ClinVar aggregate classification (germline): Pathogenic (1 of 4 stars; one submission).

Conditions:
Congenital myasthenic syndrome 13 (CMS13). Also called: Myasthenic syndrome, congenital, with tubular aggregates 2; Myasthenic syndrome, congenital, 13, with tubular aggregates. Identifiers: Orphanet 353327, Orphanet 590, MedGen C3553645, MONDO:0013883, OMIM 614750.
DPAGT1-congenital disorder of glycosylation. Also called: CONGENITAL DISORDER OF GLYCOSYLATION, TYPE Ij; DPAGT1-CDG; CDG Ij. Identifiers: Orphanet 86309, MedGen C2931004, MONDO:0011964, OMIM 608093.

Submission:

Labcorp Genetics (formerly Invitae), Labcorp
Classification: Pathogenic for Congenital myasthenic syndrome 13; DPAGT1-congenital disorder of glycosylation. Last evaluated: 2025-10-02. Review status: criteria provided, single submitter. Criteria: Invitae Variant Classification Sherloc (09022015). Collection method: clinical testing. Allele origin: germline.
Comment: This sequence change creates a premature translational stop signal (p.Cys255Thrfs*5) in the DPAGT1 gene. It is expected to result in an absent or disrupted protein product. Loss-of-function variants in DPAGT1 are known to be pathogenic (PMID: 22742743). This variant is not present in population databases (gnomAD no frequency). This variant has not been reported in the literature in individuals affected with DPAGT1-related conditions. ClinVar contains an entry for this variant (Variation ID: 1451203). For these reasons, this variant has been classified as Pathogenic.

Literature cited by the submitters: PubMed 22742743.